The following is an entry in ClinVar:

ClinVar aggregate classification (germline): Likely benign. Review status: criteria provided, single submitter (1 of 4 stars). 2 submissions from 2 submitters: Likely benign (1). 1 of the submissions does not count toward it. Last evaluated 2023-11-24.

Conditions:
Multiple acyl-CoA dehydrogenase deficiency (MADD). Also called: ETHYLMALONIC-ADIPICACIDURIA; GA II; Glutaric aciduria, type 2; Glutaric acidemia type II; GA 2; Glutaric Acidemia type 2. Identifiers: Orphanet 26791, MedGen C0268596, MONDO:0009282, OMIM 231680.
ETFDH-related disorder. Also called: ETFDH-related condition.

Allele frequency attached by ClinVar (database versions not stated): gnomAD 0.00001; TOPMed 0.00002.
gnomAD v4.1: 3 of 1,562,010 alleles (0.00019%); highest among the groups gnomAD compares: Non-Finnish European, 0.00026%; no homozygotes.

Submissions (2):

Labcorp Genetics (formerly Invitae), Labcorp
Classification: Likely benign for Multiple acyl-CoA dehydrogenase deficiency. Last evaluated: 2023-11-24. Review status: criteria provided, single submitter. Criteria: Invitae Variant Classification Sherloc (09022015). Collection method: clinical testing. Allele origin: germline.

PreventionGenetics, part of Exact Sciences
Classification: Likely benign for ETFDH-related condition. Last evaluated: 2021-04-27. Review status: no assertion criteria provided. Collection method: clinical testing. Allele origin: germline. Not counted in ClinVar's aggregate classification.
Comment: This variant is classified as likely benign based on ACMG/AMP sequence variant interpretation guidelines (Richards et al. 2015 PMID: 25741868, with internal and published modifications).

NM_004453.4(ETFDH):c.471T>C (p.Pro157=)

Gene: ETFDH (electron transfer flavoprotein dehydrogenase; plus strand). Cytogenetic location: 4q32.1.
Variant type: single nucleotide variant.
Coding change: c.471T>C on transcript NM_004453.4 (MANE Select); coding-DNA position 471, T replaced by C.
Protein change: p.Pro157=; no amino-acid change (proline 157 retained).
Molecular consequence: synonymous variant.
Genome position (GRCh38, 1-based): chr4:158,684,657, T>C. VCF-style: chr4-158684657-T-C. GRCh37 (hg19) VCF-style: chr4-159605809-T-C.
Other names: c.471T>C (NM_004453.3); c.330T>C, p.Pro110= (NM_001281737.2); c.288T>C, p.Pro96= (NM_001281738.1).
Identifiers: ClinVar variation 1926332 (VCV001926332.7), dbSNP rs1373001793, ClinGen allele CA442141950.
Genomic context (GRCh38, chr4:158,684,657, plus strand): 5'-ACTTAACACTCCTGTAACAGAAGACAGATTTGGAATTTTAACAGAGAAATACAGAATTCC[T>C]GTGCCAATTCTTCCAGGTAAGGTATAGTGAATATGCATAGAACTATGGAATTCCACAGCT-3'
Protein context (NP_004444.2, residues 147-167): FGILTEKYRI[Pro157=]VPILPGLPMN